The following is an entry in ClinVar:

ClinVar aggregate classification (germline): Pathogenic (1 of 4 stars; one submission).

gnomAD v4.1: 3 of 1,611,768 alleles (0.00019%); highest among the groups gnomAD compares: South Asian, 0.0011%; no homozygotes.

Submission:

Labcorp Genetics (formerly Invitae), Labcorp
Classification: Pathogenic. Last evaluated: 2026-01-28. Review status: criteria provided, single submitter. Criteria: Invitae Variant Classification Sherloc (09022015). Collection method: clinical testing. Allele origin: germline.
Comment: This sequence change creates a premature translational stop signal (p.Gly900*) in the TTC37 gene. It is expected to result in an absent or disrupted protein product. Loss-of-function variants in TTC37 are known to be pathogenic (PMID: 20176027, 21120949). This variant is not present in population databases (gnomAD no frequency). This variant has not been reported in the literature in individuals affected with TTC37-related conditions. For these reasons, this variant has been classified as Pathogenic.

Literature cited by the submitters: PubMed 20176027; PubMed 21120949.

NM_014639.4(SKIC3):c.2698G>T (p.Gly900Ter)

Gene: SKIC3 (SKI3 subunit of superkiller complex; minus strand). Cytogenetic location: 5q15.
Variant type: single nucleotide variant.
Coding change: c.2698G>T on transcript NM_014639.4 (MANE Select); coding-DNA position 2698, G replaced by T.
Protein change: p.Gly900Ter; replaces glycine 900 with a stop codon.
Molecular consequence: nonsense.
Genome position (GRCh38, 1-based): chr5:95,514,860, C>A on the plus strand (G>T on the coding strand, the complement: SKIC3 is on the minus strand). VCF-style: chr5-95514860-C-A. GRCh37 (hg19) VCF-style: chr5-94850564-C-A.
Other names: short protein forms G900*.
Identifiers: ClinVar variation 4730966 (VCV004730966.1).